The following is an entry in ClinVar:

ClinVar aggregate classification (germline): Uncertain significance. Review status: criteria provided, single submitter (1 of 4 stars). 4 submissions from 4 submitters: Uncertain significance (1). 3 of the submissions do not count toward it. Last evaluated 2025-11-25.

Conditions:
Epileptic encephalopathy. Identifiers: MedGen C0543888, HP:0200134.
Inborn genetic diseases. Identifiers: MedGen C0950123, MeSH D030342.
Developmental and epileptic encephalopathy, 84. Also called: EPILEPTIC ENCEPHALOPATHY, EARLY IFANTILE, 84. Identifiers: MedGen C5394081, MONDO:0032918, OMIM 618792.
UGDH-related disorder. Also called: UGDH-related condition.

Allele frequency attached by ClinVar (database versions not stated): gnomAD exomes below 0.00001; ExAC 0.00001; gnomAD 0.00001; ESP Exome Variant Server 0.00008; TOPMed 0.00001.
gnomAD v4.1: 2 of 1,609,854 alleles (0.00012%); highest among the groups gnomAD compares: Non-Finnish European, 0.00017%; no homozygotes.

Submissions (4):

Ambry Genetics
Classification: Uncertain significance for Inborn genetic diseases. Last evaluated: 2025-11-25. Review status: criteria provided, single submitter. Criteria: Ambry Variant Classification Scheme 2023. Collection method: clinical testing. Allele origin: germline.
Comment: The c.41A>G (p.Y14C) alteration is located in exon 2 (coding exon 1) of the UGDH gene. This alteration results from an A to G substitution at nucleotide position 41, causing the tyrosine (Y) at amino acid position 14 to be replaced by a cysteine (C). Based on data from gnomAD, the G allele has an overall frequency of <0.001% (1/249032) total alleles studied. The highest observed frequency was 0.001% (1/113128) of European (non-Finnish) alleles. This variant has been identified in the homozygous state and/or in conjunction with other UGDH variant(s) in individual(s) with features consistent with UGDH-related developmental and epileptic encephalopathy; in at least one instance, the variants were identified in trans (Hengel, 2020). This amino acid position is highly conserved in available vertebrate species. Based on internal structural analysis, this variant is anticipated to disrupt a region of known function (Ambry internal data). Fibroblasts derived from a patient with this variant showed abnormal UGDH function (Hengel, 2020). This alteration is predicted to be deleterious by in silico analysis. Based on insufficient or conflicting evidence, the clinical significance of this alteration remains unclear.

PreventionGenetics, part of Exact Sciences
Classification: Uncertain significance for UGDH-related condition. Last evaluated: 2024-05-05. Review status: no assertion criteria provided. Collection method: clinical testing. Allele origin: germline. Not counted in ClinVar's aggregate classification.
Comment: The UGDH c.41A>G variant is predicted to result in the amino acid substitution p.Tyr14Cys. This variant was reported in the compound heterozygous state in an individual with developmental epileptic encephalopathy (Hengel et al 2020. PubMed ID: 32001716). This variant is reported in 0.00088% of alleles in individuals of European (Non-Finnish) descent in gnomAD. Although we suspect that this variant may be pathogenic, at this time, the clinical significance of this variant is uncertain due to the absence of conclusive functional and genetic evidence.

OMIM
Classification: Pathogenic for DEVELOPMENTAL AND EPILEPTIC ENCEPHALOPATHY 84. Last evaluated: 2020-10-07. Review status: no assertion criteria provided. Collection method: literature only. Allele origin: germline. Not counted in ClinVar's aggregate classification.

Section for Clinical Neurogenetics, University of Tübingen
Classification: Likely pathogenic for Epileptic Encephalopathy. Last evaluated: 2019-10-01. Review status: no assertion criteria provided. Collection method: research. Allele origin: germline. Affected: yes. Not counted in ClinVar's aggregate classification.

Literature cited by the submitters: PubMed 32001716 (cited by 3 submitters).

NM_003359.4(UGDH):c.41A>G (p.Tyr14Cys)

Gene: UGDH (UDP-glucose 6-dehydrogenase; minus strand). Cytogenetic location: 4p14.
Variant type: single nucleotide variant.
Coding change: c.41A>G on transcript NM_003359.4 (MANE Select); coding-DNA position 41, A replaced by G.
Protein change: p.Tyr14Cys; replaces tyrosine 14 with cysteine.
Molecular consequence: missense variant. On other transcripts: intron variant (1).
Genome position (GRCh38, 1-based): chr4:39,521,472, T>C on the plus strand (A>G on the coding strand, the complement: UGDH is on the minus strand). VCF-style: chr4-39521472-T-C. GRCh37 (hg19) VCF-style: chr4-39523092-T-C.
Other names: c.41A>G, p.Tyr14Cys (NM_001184700.2); c.-130+5811A>G (NM_001184701.2); short protein forms Y14C.
Identifiers: ClinVar variation 810662 (VCV000810662.5), dbSNP rs369608407, ClinGen allele CA2895248.
Genomic context (GRCh38, chr4:39,521,472, plus strand): 5'-ACCGTTACCCTGATTTCAGGACACATATGAGCAATGACACTACATGTGGGTCCTCCAACA[T>C]AGCCTGCACCGATGCAACAGATCTTCTTAATTTCAAACATGATTGTACTAGAAGGAAAAC-3'
Protein context (NP_003350.1, residues 4-24): IKKICCIGAG[Tyr14Cys]VGGPTCSVIA